The following is an entry in ClinVar:

NM_002292.4(LAMB2):c.1023T>A (p.Ser341Arg)

Gene: LAMB2 (laminin subunit beta 2; minus strand). Cytogenetic location: 3p21.31.
Variant type: single nucleotide variant.
Coding change: c.1023T>A on transcript NM_002292.4 (MANE Select); coding-DNA position 1023, T replaced by A.
Protein change: p.Ser341Arg; replaces serine 341 with arginine.
Molecular consequence: missense variant.
Genome position (GRCh38, 1-based): chr3:49,130,753, A>T on the plus strand (T>A on the coding strand, the complement: LAMB2 is on the minus strand). VCF-style: chr3-49130753-A-T. GRCh37 (hg19) VCF-style: chr3-49168186-A-T.
Other names: short protein forms S341R.
Identifiers: ClinVar variation 938311 (VCV000938311.7), dbSNP rs1308318910, ClinGen allele CA352744490.

ClinVar aggregate classification (germline): Uncertain significance (1 of 4 stars; one submission).

Conditions:
Pierson syndrome. Also called: MICROCORIA-CONGENITAL NEPHROTIC SYNDROME. Identifiers: Orphanet 2670, MedGen C1836876, MONDO:0012184, OMIM 609049.
LAMB2-related infantile-onset nephrotic syndrome. Also called: NEPHROTIC SYNDROME, TYPE 5, WITHOUT OCULAR ABNORMALITIES; NEPHROTIC SYNDROME, TYPE 5, WITH OCULAR ABNORMALITIES; Nephrotic Syndrome, type 5. Identifiers: Orphanet 306507, MedGen C3280113, MONDO:0013621, OMIM 614199.

Allele frequency attached by ClinVar (database versions not stated): gnomAD exomes below 0.00001.
gnomAD v4.1: 2 of 1,614,050 alleles (0.00012%); highest among the groups gnomAD compares: Non-Finnish European, 0.00017%; no homozygotes.

Submission:

Labcorp Genetics (formerly Invitae), Labcorp
Classification: Uncertain significance for LAMB2-related infantile-onset nephrotic syndrome; Pierson syndrome. Last evaluated: 2019-09-13. Review status: criteria provided, single submitter. Criteria: Invitae Variant Classification Sherloc (09022015). Collection method: clinical testing. Allele origin: germline.
Comment: In summary, the available evidence is currently insufficient to determine the role of this variant in disease. Therefore, it has been classified as a Variant of Uncertain Significance. Algorithms developed to predict the effect of missense changes on protein structure and function are either unavailable or do not agree on the potential impact of this missense change (SIFT: "Deleterious"; PolyPhen-2: "Possibly Damaging"; Align-GVGD: "Class C15"). This variant has not been reported in the literature in individuals with LAMB2-related conditions. This variant is not present in population databases (ExAC no frequency). This sequence change replaces serine with arginine at codon 341 of the LAMB2 protein (p.Ser341Arg). The serine residue is moderately conserved and there is a moderate physicochemical difference between serine and arginine.